The following is an entry in ClinVar:

ClinVar aggregate classification (germline): Uncertain significance (1 of 4 stars; one submission).

Submission:

Labcorp Genetics (formerly Invitae), Labcorp
Classification: Uncertain significance. Last evaluated: 2022-08-16. Review status: criteria provided, single submitter. Criteria: Invitae Variant Classification Sherloc (09022015). Collection method: clinical testing. Allele origin: germline.
Comment: Algorithms developed to predict the effect of missense changes on protein structure and function (SIFT, PolyPhen-2, Align-GVGD) all suggest that this variant is likely to be tolerated. ClinVar contains an entry for this variant (Variation ID: 1510780). This variant has not been reported in the literature in individuals affected with GPR179-related conditions. This variant is not present in population databases (gnomAD no frequency). This sequence change replaces alanine, which is neutral and non-polar, with valine, which is neutral and non-polar, at codon 1049 of the GPR179 protein (p.Ala1049Val). In summary, the available evidence is currently insufficient to determine the role of this variant in disease. Therefore, it has been classified as a Variant of Uncertain Significance.

NM_001004334.4(GPR179):c.3146C>T (p.Ala1049Val)

Gene: GPR179 (G protein-coupled receptor 179; minus strand). Cytogenetic location: 17q12.
Variant type: single nucleotide variant.
Coding change: c.3146C>T on transcript NM_001004334.4 (MANE Select); coding-DNA position 3146, C replaced by T.
Protein change: p.Ala1049Val; replaces alanine 1049 with valine.
Molecular consequence: missense variant.
Genome position (GRCh38, 1-based): chr17:38,330,423, G>A on the plus strand (C>T on the coding strand, the complement: GPR179 is on the minus strand). VCF-style: chr17-38330423-G-A. GRCh37 (hg19) VCF-style: chr17-36486306-G-A.
Other names: short protein forms A1049V.
Identifiers: ClinVar variation 1510780 (VCV001510780.8), dbSNP rs2144262065, ClinGen allele CA398880571.